The following is an entry in ClinVar:

NM_005802.5(TOPORS):c.2236G>A (p.Glu746Lys)

Gene: TOPORS (TOP1 binding arginine/serine rich protein, E3 ubiquitin ligase; minus strand). Cytogenetic location: 9p21.1.
Variant type: single nucleotide variant.
Coding change: c.2236G>A on transcript NM_005802.5 (MANE Select); coding-DNA position 2236, G replaced by A.
Protein change: p.Glu746Lys; replaces glutamic acid 746 with lysine.
Molecular consequence: missense variant.
Genome position (GRCh38, 1-based): chr9:32,542,289, C>T on the plus strand (G>A on the coding strand, the complement: TOPORS is on the minus strand). VCF-style: chr9-32542289-C-T. GRCh37 (hg19) VCF-style: chr9-32542287-C-T.
Other names: c.2041G>A, p.Glu681Lys (NM_001195622.2); short protein forms E681K, E746K.
Identifiers: ClinVar variation 2047722 (VCV002047722.4), dbSNP rs2489447811, ClinGen allele CA373165228.

ClinVar aggregate classification (germline): Uncertain significance (1 of 4 stars; one submission).

Allele frequency attached by ClinVar (database versions not stated): gnomAD exomes below 0.00001.
gnomAD v4.1: 3 of 1,614,032 alleles (0.00019%); highest among the groups gnomAD compares: Non-Finnish European, 0.00017%; no homozygotes.

Submission:

Labcorp Genetics (formerly Invitae), Labcorp
Classification: Uncertain significance. Last evaluated: 2021-12-15. Review status: criteria provided, single submitter. Criteria: Invitae Variant Classification Sherloc (09022015). Collection method: clinical testing. Allele origin: germline.
Comment: Algorithms developed to predict the effect of missense changes on protein structure and function are either unavailable or do not agree on the potential impact of this missense change (SIFT: "Tolerated"; PolyPhen-2: "Not Available"; Align-GVGD: "Class C0"). This sequence change replaces glutamic acid, which is acidic and polar, with lysine, which is basic and polar, at codon 746 of the TOPORS protein (p.Glu746Lys). This variant is not present in population databases (gnomAD no frequency). This variant has not been reported in the literature in individuals affected with TOPORS-related conditions. In summary, the available evidence is currently insufficient to determine the role of this variant in disease. Therefore, it has been classified as a Variant of Uncertain Significance.